The following is an entry in ClinVar:

ClinVar aggregate classification (germline): Likely benign (1 of 4 stars; one submission).

Allele frequency attached by ClinVar (database versions not stated): gnomAD exomes 0.00001 and below 0.00001; ExAC 0.00001.
gnomAD v4.1: 2 of 1,587,398 alleles (0.00013%); highest among the groups gnomAD compares: Admixed American, 0.0037%; no homozygotes.

Submission:

GeneDx
Classification: Likely benign. Last evaluated: 2018-06-18. Review status: criteria provided, single submitter. Criteria: GeneDx Variant Classification (06012015). Collection method: clinical testing. Allele origin: germline. Affected: yes.
Comment: This variant is considered likely benign or benign based on one or more of the following criteria: it is a conservative change, it occurs at a poorly conserved position in the protein, it is predicted to be benign by multiple in silico algorithms, and/or has population frequency not consistent with disease.

NM_001267550.2(TTN):c.32888-7G>A

Gene: TTN (titin; minus strand). Cytogenetic location: 2q31.2.
Variant type: single nucleotide variant.
Coding change: c.32888-7G>A on transcript NM_001267550.2 (MANE Select); 7 bases into the intron before coding-DNA position 32888, G replaced by A.
Molecular consequence: intron variant.
Genome position (GRCh38, 1-based): chr2:178,682,910, C>T on the plus strand (G>A on the coding strand, the complement: TTN is on the minus strand). VCF-style: chr2-178682910-C-T. GRCh37 (hg19) VCF-style: chr2-179547637-C-T.
Other names: c.13283-40593G>A (NM_003319.4); c.13859-40593G>A (NM_133437.4); c.13658-40593G>A (NM_133432.3); c.29156-7G>A (NM_133378.4); c.31937-7G>A (NM_001256850.1).
Identifiers: ClinVar variation 672233 (VCV000672233.1), dbSNP rs781180175, ClinGen allele CA1998495.
Genomic context (GRCh38, chr2:178,682,910, plus strand): 5'-CAGCTTCTTCTTCTAGGGTATAAGCCCTTTCTTTCTCTTCCATTATAGTTACTTCTGAAA[C>T]AATATTAACAACAGGCAGCACTTTACTTTAAAGCACTTTTAAGGATGACTGATAGTAACA-3'